The following is an entry in ClinVar:

ClinVar aggregate classification (germline): Pathogenic (1 of 4 stars; one submission).

Conditions:
Hereditary cancer-predisposing syndrome. Also called: Neoplastic Syndromes, Hereditary; Tumor predisposition; Hereditary Cancer Syndrome; Hereditary neoplastic syndrome. Identifiers: Orphanet 140162, MedGen C0027672, MeSH D009386, MONDO:0015356.

Submission:

Ambry Genetics
Classification: Pathogenic for Hereditary cancer-predisposing syndrome. Last evaluated: 2024-01-11. Review status: criteria provided, single submitter. Criteria: Ambry Variant Classification Scheme 2023. Collection method: clinical testing. Allele origin: germline.
Comment: The c.2340_2394dup55 variant, located in coding exon 9 of the BRCA1 gene, results from a duplication of 55 nucleotides at nucleotide position 2340 to 2394, causing a translational frameshift with a predicted alternate stop codon (p.N799Gfs*9). This alteration is expected to result in loss of function by premature protein truncation or nonsense-mediated mRNA decay. As such, this alteration is interpreted as a disease-causing mutation.

NM_007294.4(BRCA1):c.2340_2394dup (p.Asn799delinsGlyLysTyrLeuValThrGlySerTer)

Gene: BRCA1 (BRCA1 DNA repair associated; minus strand). Cytogenetic location: 17q21.31.
Variant type: Duplication.
Coding change: c.2340_2394dup on transcript NM_007294.4 (MANE Select); coding-DNA positions 2340 to 2394, 55 bases duplicated.
Protein change: p.Asn799delinsGlyLysTyrLeuValThrGlySerTer.
Molecular consequence: nonsense. On other transcripts: frameshift variant (1), intron variant (137).
Genome position (GRCh38, 1-based): chr17:43,093,137-43,093,191, 55 bases duplicated. GRCh37 (hg19): chr17:41,245,156-41,245,210.
Other names: c.2340_2394dup, p.Asn799delinsGlyLysTyrLeuValThrGlySerTer (NM_001407605.1, NM_001407616.1, NM_001407619.1 and 30 more transcripts); c.2337_2391dup, p.Asn798delinsGlyLysTyrLeuValThrGlySerTer (NM_001407610.1, NM_001407611.1, NM_001407612.1 and 22 more transcripts); c.2217_2271dup, p.Asn758delinsGlyLysTyrLeuValThrGlySerTer (NM_001407937.1, NM_001407938.1, NM_001407939.1 and 19 more transcripts); c.2199_2253dup, p.Asn752delinsGlyLysTyrLeuValThrGlySerTer (NM_001407945.1, NM_001407942.1, NM_001407944.1 and 29 more transcripts); c.2214_2268dup, p.Asn757delinsGlyLysTyrLeuValThrGlySerTer (NM_001407940.1, NM_001407941.1, NM_001407649.1 and 11 more transcripts); c.2196_2250dup, p.Asn751delinsGlyLysTyrLeuValThrGlySerTer (NM_001407943.1, NM_001407740.1, NM_001407741.1 and 20 more transcripts); c.2340_2394dupGGAAAGTATCTCGTTACTGGAAGTTAGCACTCTAGGGAAGGCAAAAACAGAACCA (NM_007294.3); c.2127_2181dup, p.Asn728delinsGlyLysTyrLeuValThrGlySerTer (NM_001407571.1, NM_001407853.1, NM_001407894.1 and 9 more transcripts); and 42 more.
Identifiers: ClinVar variation 821125 (VCV000821125.5), dbSNP rs1597870272, ClinGen allele CA915950079.